The following is an entry in ClinVar:

ClinVar aggregate classification (germline): Uncertain significance (1 of 4 stars; one submission).

Conditions:
Hypertrophic cardiomyopathy. Also called: HYPERTROPHIC MYOCARDIOPATHY. Identifiers: Orphanet 217569, MedGen C0007194, MeSH D002312, MONDO:0005045, HP:0001639.

Submission:

Labcorp Genetics (formerly Invitae), Labcorp
Classification: Uncertain significance for Hypertrophic cardiomyopathy. Last evaluated: 2020-10-05. Review status: criteria provided, single submitter. Criteria: Invitae Variant Classification Sherloc (09022015). Collection method: clinical testing. Allele origin: germline.
Comment: In summary, the available evidence is currently insufficient to determine the role of this variant in disease. Therefore, it has been classified as a Variant of Uncertain Significance. Algorithms developed to predict the effect of missense changes on protein structure and function (SIFT, PolyPhen-2, Align-GVGD) all suggest that this variant is likely to be tolerated, but these predictions have not been confirmed by published functional studies and their clinical significance is uncertain. This variant has been observed in individual(s) with clinical features of dilated cardiomyopathy (Invitae). This variant is not present in population databases (ExAC no frequency). This sequence change replaces aspartic acid with glycine at codon 80 of the TPM1 protein (p.Asp80Gly). The aspartic acid residue is weakly conserved and there is a moderate physicochemical difference between aspartic acid and glycine.

NM_001018005.2(TPM1):c.239A>G (p.Asp80Gly)

Gene: TPM1 (tropomyosin 1; plus strand). Cytogenetic location: 15q22.2.
Variant type: single nucleotide variant.
Coding change: c.239A>G on transcript NM_001018005.2 (MANE Select); coding-DNA position 239, A replaced by G.
Protein change: p.Asp80Gly; replaces aspartic acid 80 with glycine.
Molecular consequence: missense variant. On other transcripts: intron variant (3).
Genome position (GRCh38, 1-based): chr15:63,044,151, A>G. VCF-style: chr15-63044151-A-G. GRCh37 (hg19) VCF-style: chr15-63336350-A-G.
Other names: c.239A>G, p.Asp80Gly (NM_000366.6, NM_001018004.2, NM_001018006.2 and 3 more transcripts); c.365A>G, p.Asp122Gly (NM_001365778.1); c.240+320A>G (NM_001018020.2, NM_001018007.2, NM_001301244.2); short protein forms D80G, D122G.
Identifiers: ClinVar variation 1035811 (VCV001035811.8), dbSNP rs2031873696, ClinGen allele CA392718752.